The following is an entry in ClinVar:

ClinVar aggregate classification (germline): Uncertain significance (1 of 4 stars; one submission).

Submission:

Labcorp Genetics (formerly Invitae), Labcorp
Classification: Uncertain significance. Last evaluated: 2023-05-12. Review status: criteria provided, single submitter. Criteria: Invitae Variant Classification Sherloc (09022015). Collection method: clinical testing. Allele origin: germline.
Comment: In summary, the available evidence is currently insufficient to determine the role of this variant in disease. Therefore, it has been classified as a Variant of Uncertain Significance. Algorithms developed to predict the effect of sequence changes on RNA splicing suggest that this variant may create or strengthen a splice site. An algorithm developed to predict the effect of missense changes on protein structure and function (PolyPhen-2) suggests that this variant is likely to be disruptive. ClinVar contains an entry for this variant (Variation ID: 2193411). This variant has not been reported in the literature in individuals affected with KDM4B-related conditions. This variant is not present in population databases (gnomAD no frequency). This sequence change replaces serine, which is neutral and polar, with phenylalanine, which is neutral and non-polar, at codon 317 of the KDM4B protein (p.Ser317Phe).

NM_015015.3(KDM4B):c.950C>T (p.Ser317Phe)

Gene: KDM4B (lysine demethylase 4B; plus strand). Cytogenetic location: 19p13.3.
Variant type: single nucleotide variant.
Coding change: c.950C>T on transcript NM_015015.3 (MANE Select); coding-DNA position 950, C replaced by T.
Protein change: p.Ser317Phe; replaces serine 317 with phenylalanine.
Molecular consequence: missense variant.
Genome position (GRCh38, 1-based): chr19:5,110,653, C>T. VCF-style: chr19-5110653-C-T. GRCh37 (hg19) VCF-style: chr19-5110664-C-T.
Other names: c.950C>T, p.Ser317Phe (NM_001370093.1, NM_001370094.1, NM_001411148.1); short protein forms S317F.
Identifiers: ClinVar variation 2193411 (VCV002193411.4), dbSNP rs2512536876, ClinGen allele CA403494864.